The following is an entry in ClinVar:

NM_000038.6(APC):c.4709del (p.Asp1570fs)

Gene: APC (APC regulator of Wnt signaling pathway; plus strand). Cytogenetic location: 5q22.2.
Variant type: Deletion.
Coding change: c.4709del on transcript NM_000038.6 (MANE Select); coding-DNA position 4709, one base deleted (A; older notation c.4709delA).
Protein change: p.Asp1570fs; shifts the reading frame from aspartic acid 1570.
Molecular consequence: frameshift variant. On other transcripts: non-coding transcript variant (2).
Genome position (GRCh38, 1-based): chr5:112,840,303, A deleted. VCF-style (leftmost placement, unchanged base first): chr5-112840302-GA-G. GRCh37 (hg19) VCF-style: chr5-112175999-GA-G.
Other names: c.4709del, p.Asp1570fs (NM_001127510.3, NM_001354895.2, NM_001407450.1); c.4655del, p.Asp1552fs (NM_001127511.3); c.4763del, p.Asp1588fs (NM_001354896.2, NM_001407447.1, NM_001407448.1 and 1 more transcripts); c.4739del, p.Asp1580fs (NM_001354897.2); c.4634del, p.Asp1545fs (NM_001354898.2); c.4625del, p.Asp1542fs (NM_001354899.2); c.4586del, p.Asp1529fs (NM_001354900.2); c.4532del, p.Asp1511fs (NM_001354901.2, NM_001407453.1); and 11 more; short protein forms D1186fs, D1287fs, D1410fs, D1441fs, D1444fs, D1469fs, D1479fs, D1487fs.
Identifiers: ClinVar variation 2583277 (VCV002583277.2), dbSNP rs2533594639, ClinGen allele CA645543977.

ClinVar aggregate classification (germline): Pathogenic (1 of 4 stars; one submission).

Conditions:
Familial adenomatous polyposis 1 (FAP1). Also called: POLYPOSIS, ADENOMATOUS INTESTINAL; FAMILIAL ADENOMATOUS POLYPOSIS 1, ATTENUATED. Identifiers: MedGen C2713442, MONDO:0021056, OMIM 175100. Disease mechanism: loss of function.

Submission:

Myriad Genetics, Inc.
Classification: Pathogenic for Familial adenomatous polyposis 1. Last evaluated: 2023-05-11. Review status: criteria provided, single submitter. Criteria: Myriad Autosomal Dominant, Autosomal Recessive and X-Linked Classification Criteria (2023). Collection method: clinical testing. Allele origin: unknown.
Comment: This variant is considered pathogenic. This variant creates a frameshift predicted to result in premature protein truncation.